The following is an entry in ClinVar:

NM_024642.5(GALNT12):c.841T>C (p.Trp281Arg)

Gene: GALNT12 (polypeptide N-acetylgalactosaminyltransferase 12; plus strand). Cytogenetic location: 9q22.33.
Variant type: single nucleotide variant.
Coding change: c.841T>C on transcript NM_024642.5 (MANE Select); coding-DNA position 841, T replaced by C.
Protein change: p.Trp281Arg; replaces tryptophan 281 with arginine.
Molecular consequence: missense variant.
Genome position (GRCh38, 1-based): chr9:98,831,881, T>C. VCF-style: chr9-98831881-T-C. GRCh37 (hg19) VCF-style: chr9-101594163-T-C.
Other names: short protein forms W281R.
Identifiers: ClinVar variation 3518515 (VCV003518515.1).

ClinVar aggregate classification (germline): Uncertain significance (1 of 4 stars; one submission).

Submission:

Ambry Genetics
Classification: Uncertain significance. Last evaluated: 2024-11-15. Review status: criteria provided, single submitter. Criteria: Ambry Variant Classification Scheme 2023. Collection method: clinical testing. Allele origin: germline.
Comment: The p.W281R variant (also known as c.841T>C), located in coding exon 4 of the GALNT12 gene, results from a T to C substitution at nucleotide position 841. The tryptophan at codon 281 is replaced by arginine, an amino acid with dissimilar properties. This amino acid position is conserved. In addition, this alteration is predicted to be deleterious by in silico analysis. Based on the available evidence, the clinical significance of this variant remains unclear.